The following is an entry in ClinVar:

NM_002693.3(POLG):c.901A>G (p.Ile301Val)

Gene: POLG (DNA polymerase gamma, catalytic subunit; minus strand). Cytogenetic location: 15q26.1.
Variant type: single nucleotide variant.
Coding change: c.901A>G on transcript NM_002693.3 (MANE Select); coding-DNA position 901, A replaced by G.
Protein change: p.Ile301Val; replaces isoleucine 301 with valine.
Molecular consequence: missense variant.
Genome position (GRCh38, 1-based): chr15:89,329,065, T>C on the plus strand (A>G on the coding strand, the complement: POLG is on the minus strand). VCF-style: chr15-89329065-T-C. GRCh37 (hg19) VCF-style: chr15-89872296-T-C.
Other names: c.901A>G, p.Ile301Val (NM_001126131.2); short protein forms I301V.
Identifiers: ClinVar variation 1368972 (VCV001368972.6), dbSNP rs2152068160, ClinGen allele CA393765889.

ClinVar aggregate classification (germline): Uncertain significance (1 of 4 stars; one submission).

Conditions:
Progressive sclerosing poliodystrophy (MTDPS4A). Also called: Mitochondrial DNA depletion syndrome 4A (Alpers type); ALPERS PROGRESSIVE INFANTILE POLIODYSTROPHY; NEURONAL DEGENERATION OF CHILDHOOD WITH LIVER DISEASE, PROGRESSIVE; Mitochondrial DNA Depletion Syndrome 4A; Alpers-Huttenlocher Syndrome (AHS); Alpers Syndrome. Identifiers: Orphanet 726, MedGen C0205710, MONDO:0008758, OMIM 203700.

Submission:

Labcorp Genetics (formerly Invitae), Labcorp
Classification: Uncertain significance for Progressive sclerosing poliodystrophy. Last evaluated: 2021-12-02. Review status: criteria provided, single submitter. Criteria: Invitae Variant Classification Sherloc (09022015). Collection method: clinical testing. Allele origin: germline.
Comment: In summary, the available evidence is currently insufficient to determine the role of this variant in disease. Therefore, it has been classified as a Variant of Uncertain Significance. Algorithms developed to predict the effect of missense changes on protein structure and function are either unavailable or do not agree on the potential impact of this missense change (SIFT: "Tolerated"; PolyPhen-2: "Probably Damaging"; Align-GVGD: "Class C0"). This variant has not been reported in the literature in individuals affected with POLG-related conditions. This variant is not present in population databases (gnomAD no frequency). This sequence change replaces isoleucine, which is neutral and non-polar, with valine, which is neutral and non-polar, at codon 301 of the POLG protein (p.Ile301Val).